The following is an entry in ClinVar:

ClinVar aggregate classification (germline): Uncertain significance (1 of 4 stars; one submission).

Conditions:
Landau-Kleffner syndrome (FESD). Also called: APHASIA, ACQUIRED, WITH EPILEPSY; EPILEPSY, FOCAL, WITH SPEECH DISORDER AND WITH OR WITHOUT MENTAL RETARDATION. Identifiers: Orphanet 1945, Orphanet 725, Orphanet 98818, MedGen C0282512, MONDO:0009509, OMIM 245570.

Submission:

Labcorp Genetics (formerly Invitae), Labcorp
Classification: Uncertain significance for Landau-Kleffner syndrome. Last evaluated: 2016-03-19. Review status: criteria provided, single submitter. Criteria: Invitae Variant Classification Sherloc (09022015). Collection method: clinical testing. Allele origin: germline.
Comment: This sequence change replaces threonine with alanine at codon 1362 of the GRIN2A protein (p.Thr1362Ala). The threonine residue is weakly conserved and there is a small physicochemical difference between threonine and alanine. Algorithms developed to predict the effect of missense changes on protein structure and function (SIFT, PolyPhen-2, Align-GVGD) all suggest that this variant is likely to be tolerated, but these predictions have not been confirmed by published functional studies. In summary, this variant is a novel missense change that is not predicted to affect protein function. There is no indication that it causes disease, but the available evidence is currently insufficient to prove that conclusively. Therefore, it has been classified as a Variant of Uncertain Significance. This variant is not present in population databases (ExAC no frequency) and has not been reported in the literature in individuals with a GRIN2A-related disease.

NM_001134407.3(GRIN2A):c.4084A>G (p.Thr1362Ala)

Gene: GRIN2A (glutamate ionotropic receptor NMDA type subunit 2A; minus strand). Cytogenetic location: 16p13.2.
Variant type: single nucleotide variant.
Coding change: c.4084A>G on transcript NM_001134407.3 (MANE Select); coding-DNA position 4084, A replaced by G.
Protein change: p.Thr1362Ala; replaces threonine 1362 with alanine.
Molecular consequence: missense variant. On other transcripts: intron variant (1).
Genome position (GRCh38, 1-based): chr16:9,763,460, T>C on the plus strand (A>G on the coding strand, the complement: GRIN2A is on the minus strand). VCF-style: chr16-9763460-T-C. GRCh37 (hg19) VCF-style: chr16-9857317-T-C.
Other names: c.4084A>G, p.Thr1362Ala (NM_000833.5); c.3773-32A>G (NM_001134408.2); short protein forms T1362A.
Identifiers: ClinVar variation 238191 (VCV000238191.9), dbSNP rs77282679, ClinGen allele CA10583445.
Genomic context (GRCh38, chr16:9,763,460, plus strand): 5'-ATCTCCCAATAACCAAGCGTTGGTCATCCCTGTGGGAGTGGAGGAAAGGGTTATCGGAGG[T>C]GTGGTCTGGCAAGAGAGACTTGCTCCTCTTGCTGTCCTCCAGACCTTGGGGGAAAAGGGA-3'
Protein context (NP_001127879.1, residues 1352-1372): KRSKSLLPDH[Thr1362Ala]SDNPFLHSHR